The following is an entry in ClinVar:

NM_001364564.1(SALL2):c.905C>T (p.Pro302Leu)

Gene: SALL2 (spalt like transcription factor 2; minus strand). Cytogenetic location: 14q11.2.
Variant type: single nucleotide variant.
Coding change: c.905C>T on transcript NM_001364564.1 (MANE Select); coding-DNA position 905, C replaced by T.
Protein change: p.Pro302Leu; replaces proline 302 with leucine.
Molecular consequence: missense variant.
Genome position (GRCh38, 1-based): chr14:21,524,817, G>A on the plus strand (C>T on the coding strand, the complement: SALL2 is on the minus strand). VCF-style: chr14-21524817-G-A. GRCh37 (hg19) VCF-style: chr14-21992951-G-A.
Other names: c.506C>T, p.Pro169Leu (NM_001291446.2); c.500C>T, p.Pro167Leu (NM_001291447.2); c.911C>T, p.Pro304Leu (NM_005407.3); short protein forms P302L, P304L, P167L, P169L.
Identifiers: ClinVar variation 2897396 (VCV002897396.3), dbSNP rs776718802, ClinGen allele CA7093753.
Genomic context (GRCh38, chr14:21,524,817, plus strand): 5'-GTGCTTGGGAATGCCAGATGAGGCGAGGCAATCAGCTGATCTGTGCTGCCTGGCAAGGCT[G>A]GGGAAGGGGCAGGGGTGGGTTTGTGGCTTCGCCCAACCCCTCCAGCAGAGAAAGGATGCT-3'
Protein context (NP_001351493.1, residues 292-312): RSHKPTPAPS[Pro302Leu]ALPGSTDQLI

ClinVar aggregate classification (germline): Uncertain significance (1 of 4 stars; one submission).

Allele frequency attached by ClinVar (database versions not stated): ExAC 0.00001; gnomAD 0.00001; TOPMed 0.00002.
gnomAD v4.1: 8 of 1,610,696 alleles (0.0005%); highest among the groups gnomAD compares: Admixed American, 0.005%; no homozygotes.

Submission:

Labcorp Genetics (formerly Invitae), Labcorp
Classification: Uncertain significance. Last evaluated: 2023-09-20. Review status: criteria provided, single submitter. Criteria: Invitae Variant Classification Sherloc (09022015). Collection method: clinical testing. Allele origin: germline.
Comment: This variant has not been reported in the literature in individuals affected with SALL2-related conditions. This variant is present in population databases (rs776718802, gnomAD 0.003%). This sequence change replaces proline, which is neutral and non-polar, with leucine, which is neutral and non-polar, at codon 304 of the SALL2 protein (p.Pro304Leu). In summary, the available evidence is currently insufficient to determine the role of this variant in disease. Therefore, it has been classified as a Variant of Uncertain Significance. An algorithm developed to predict the effect of missense changes on protein structure and function (PolyPhen-2) suggests that this variant is likely to be tolerated.